The following is an entry in ClinVar:

NM_002834.5(PTPN11):c.-7G>A

Gene: PTPN11 (protein tyrosine phosphatase non-receptor type 11; plus strand). Cytogenetic location: 12q24.13.
Variant type: single nucleotide variant.
Coding change: c.-7G>A on transcript NM_002834.5 (MANE Select); 7 bases upstream of the start codon, G replaced by A.
Molecular consequence: 5 prime UTR variant.
Genome position (GRCh38, 1-based): chr12:112,419,105, G>A. VCF-style: chr12-112419105-G-A. GRCh37 (hg19) VCF-style: chr12-112856909-G-A.
Other names: c.-7G>A (NM_001330437.2, NM_001374625.1, NM_080601.3).
Identifiers: ClinVar variation 2577379 (VCV002577379.2), dbSNP rs1267025751, ClinGen allele CA607373589.

ClinVar aggregate classification (germline): Conflicting classifications of pathogenicity. Review status: criteria provided, conflicting classifications (1 of 4 stars). 2 submissions from 2 submitters: Uncertain significance (1); Likely benign (1). Last evaluated 2025-04-23.

Conditions:
PTPN11-related disorder. Also called: PTPN11-Related Disorders.

Allele frequency attached by ClinVar (database versions not stated): TOPMed 0.00001.
gnomAD v4.1: 5 of 1,531,062 alleles (0.00033%); highest among the groups gnomAD compares: African/African-American, 0.0056%; no homozygotes.

Submissions (2):

PreventionGenetics, part of Exact Sciences
Classification: Likely benign for PTPN11-related condition. Last evaluated: 2025-04-23. Review status: criteria provided, single submitter. Criteria: ACMG Guidelines, 2015. Collection method: clinical testing. Allele origin: germline.
Comment: This variant is classified as likely benign based on ACMG/AMP sequence variant interpretation guidelines (Richards et al. 2015 PMID: 25741868, with internal and published modifications).

Women's Health and Genetics/Laboratory Corporation of America, LabCorp
Classification: Uncertain significance. Last evaluated: 2023-07-09. Review status: criteria provided, single submitter. Criteria: LabCorp Variant Classification Summary - May 2015. Collection method: clinical testing. Allele origin: germline.